The following is an entry in ClinVar:

ClinVar aggregate classification (germline): Conflicting classifications of pathogenicity. Review status: criteria provided, conflicting classifications (1 of 4 stars). 2 submissions from 2 submitters: Uncertain significance (1); Likely benign (1). Last evaluated 2025-04-23.

Conditions:
Hereditary cancer-predisposing syndrome. Also called: Hereditary Cancer Syndrome; Neoplastic Syndromes, Hereditary; Tumor predisposition; Hereditary neoplastic syndrome. Identifiers: Orphanet 140162, MedGen C0027672, MeSH D009386, MONDO:0015356.
EGFR-related lung cancer (EGFR). Identifiers: MedGen CN130014.

Allele frequency attached by ClinVar (database versions not stated): TOPMed below 0.00001; ExAC 0.00001; gnomAD 0.00001; gnomAD exomes 0.00001 and 0.00002.
gnomAD v4.1: 25 of 1,607,774 alleles (0.0016%); highest among the groups gnomAD compares: Non-Finnish European, 0.002%; no homozygotes.

Submissions (2):

Ambry Genetics
Classification: Likely benign for Hereditary cancer-predisposing syndrome. Last evaluated: 2025-04-23. Review status: criteria provided, single submitter. Criteria: Ambry Variant Classification Scheme 2023. Collection method: clinical testing. Allele origin: germline.

Labcorp Genetics (formerly Invitae), Labcorp
Classification: Uncertain significance for EGFR-related lung cancer. Last evaluated: 2024-11-11. Review status: criteria provided, single submitter. Criteria: Invitae Variant Classification Sherloc (09022015). Collection method: clinical testing. Allele origin: germline.
Comment: This sequence change replaces serine, which is neutral and polar, with asparagine, which is neutral and polar, at codon 1057 of the EGFR protein (p.Ser1057Asn). This variant is present in population databases (rs751466686, gnomAD 0.002%). This variant has not been reported in the literature in individuals affected with EGFR-related conditions. ClinVar contains an entry for this variant (Variation ID: 1024002). An algorithm developed to predict the effect of missense changes on protein structure and function outputs the following: PolyPhen-2: "Benign". The asparagine amino acid residue is found in multiple mammalian species, which suggests that this missense change does not adversely affect protein function. In summary, the available evidence is currently insufficient to determine the role of this variant in disease. Therefore, it has been classified as a Variant of Uncertain Significance.

NM_005228.5(EGFR):c.3170G>A (p.Ser1057Asn)

Gene: EGFR (epidermal growth factor receptor; plus strand). Cytogenetic location: 7p11.2.
Variant type: single nucleotide variant.
Coding change: c.3170G>A on transcript NM_005228.5 (MANE Select); coding-DNA position 3170, G replaced by A.
Protein change: p.Ser1057Asn; replaces serine 1057 with asparagine.
Molecular consequence: missense variant.
Genome position (GRCh38, 1-based): chr7:55,202,524, G>A. VCF-style: chr7-55202524-G-A. GRCh37 (hg19) VCF-style: chr7-55270217-G-A.
Other names: c.3170G>A (NM_005228.3); c.3035G>A, p.Ser1012Asn (NM_001346897.2, NM_001346899.2); c.3170G>A, p.Ser1057Asn (NM_001346898.2); c.3011G>A, p.Ser1004Asn (NM_001346900.2); c.2369G>A, p.Ser790Asn (NM_001346941.2); short protein forms S1004N, S1012N, S1057N, S790N.
Identifiers: ClinVar variation 1024002 (VCV001024002.6), dbSNP rs751466686, ClinGen allele CA4266313.
Genomic context (GRCh38, chr7:55,202,524, plus strand): 5'-CTGAAGTTGGGGCAGCCCTGACCGGAGTAACCTTCCCTCATTTCCTCCTGCAGCTGCAAA[G>A]CTGTCCCATCAAGGAAGACAGCTTCTTGCAGCGATACAGCTCAGACCCCACAGGCGCCTT-3'
Protein context (NP_005219.2, residues 1047-1067): VACIDRNGLQ[Ser1057Asn]CPIKEDSFLQ